The following is an entry in ClinVar:

ClinVar aggregate classification (germline): Uncertain significance (1 of 4 stars; one submission).

Submission:

GeneDx
Classification: Uncertain significance. Last evaluated: 2024-11-19. Review status: criteria provided, single submitter. Criteria: GeneDx Variant Classification Process June 2021. Collection method: clinical testing. Allele origin: germline. Affected: yes.
Comment: Not observed at significant frequency in large population cohorts (gnomAD); In silico analysis indicates that this missense variant does not alter protein structure/function; Has not been previously published as pathogenic or benign to our knowledge

NM_001385012.1(NBEA):c.8414T>C (p.Val2805Ala)

Gene: NBEA (neurobeachin; plus strand). Cytogenetic location: 13q13.3.
Variant type: single nucleotide variant.
Coding change: c.8414T>C on transcript NM_001385012.1 (MANE Select); coding-DNA position 8414, T replaced by C.
Protein change: p.Val2805Ala; replaces valine 2805 with alanine.
Molecular consequence: missense variant.
Genome position (GRCh38, 1-based): chr13:35,665,136, T>C. VCF-style: chr13-35665136-T-C. GRCh37 (hg19) VCF-style: chr13-36239273-T-C.
Other names: c.1730T>C, p.Val577Ala (NM_001204197.3); c.8405T>C, p.Val2802Ala (NM_001379245.1); c.8351T>C, p.Val2784Ala (NM_015678.5); short protein forms V2784A, V2802A, V2805A, V577A.
Identifiers: ClinVar variation 3899444 (VCV003899444.1).